The following is an entry in ClinVar:

ClinVar aggregate classification (germline): Pathogenic (1 of 4 stars; one submission).

Submission:

Labcorp Genetics (formerly Invitae), Labcorp
Classification: Pathogenic. Last evaluated: 2024-12-19. Review status: criteria provided, single submitter. Criteria: Invitae Variant Classification Sherloc (09022015). Collection method: clinical testing. Allele origin: germline.
Comment: This sequence change creates a premature translational stop signal (p.Arg1103Glufs*2) in the ANK1 gene. It is expected to result in an absent or disrupted protein product. Loss-of-function variants in ANK1 are known to be pathogenic (PMID: 8640229). This variant is not present in population databases (gnomAD no frequency). This variant has not been reported in the literature in individuals affected with ANK1-related conditions. For these reasons, this variant has been classified as Pathogenic.

Literature cited by the submitters: PubMed 8640229.

NM_000037.4(ANK1):c.3307del (p.Arg1103fs)

Gene: ANK1 (ankyrin 1; minus strand). Cytogenetic location: 8p11.21.
Variant type: Deletion.
Coding change: c.3307del on transcript NM_000037.4 (MANE Select); coding-DNA position 3307, one base deleted (A; older notation c.3307delA).
Protein change: p.Arg1103fs; shifts the reading frame from arginine 1103.
Molecular consequence: frameshift variant.
Genome position (GRCh38, 1-based): chr8:41,694,612, T deleted on the plus strand (A on the coding strand, the reverse complement: ANK1 is on the minus strand). VCF-style (leftmost placement, unchanged base first): chr8-41694611-CT-C. GRCh37 (hg19) VCF-style: chr8-41552129-CT-C.
Other names: c.3430del, p.Arg1144fs (NM_001142446.2); c.3307del, p.Arg1103fs (NM_020475.3, NM_020476.3, NM_020477.3); short protein forms R1103fs, R1144fs.
Identifiers: ClinVar variation 3727613 (VCV003727613.2).